The following is an entry in ClinVar:

ClinVar aggregate classification (germline): Uncertain significance (1 of 4 stars; one submission).

Conditions:
Aortic aneurysm, familial thoracic 4 (AAT4). Also called: AORTIC ANEURYSM/AORTIC DISSECTION AND PATENT DUCTUS ARTERIOSUS. Identifiers: MedGen C1851504, MONDO:0007568, OMIM 132900.

gnomAD v4.1: 1 of 1,613,834 alleles (0.000062%); highest among the groups gnomAD compares: Non-Finnish European, 0.000085%; no homozygotes.

Submission:

Labcorp Genetics (formerly Invitae), Labcorp
Classification: Uncertain significance for Aortic aneurysm, familial thoracic 4. Last evaluated: 2025-10-13. Review status: criteria provided, single submitter. Criteria: Invitae Variant Classification Sherloc (09022015). Collection method: clinical testing. Allele origin: germline.
Comment: This sequence change replaces glutamine, which is neutral and polar, with glutamic acid, which is acidic and polar, at codon 1173 of the MYH11 protein (p.Gln1173Glu). This variant is present in population databases (no rsID available, gnomAD 0.0009%). This missense change has been observed in individual(s) with thoracic aortic aneurysm (internal data). Invitae Evidence Modeling of protein sequence and biophysical properties (such as structural, functional, and spatial information, amino acid conservation, physicochemical variation, residue mobility, and thermodynamic stability) indicates that this missense variant is not expected to disrupt MYH11 protein function with a negative predictive value of 95%. In summary, the available evidence is currently insufficient to determine the role of this variant in disease. Therefore, it has been classified as a Variant of Uncertain Significance.

NM_002474.3(MYH11):c.3496C>G (p.Gln1166Glu)

Gene: MYH11 (myosin heavy chain 11; minus strand). Cytogenetic location: 16p13.11.
Variant type: single nucleotide variant.
Coding change: c.3496C>G on transcript NM_002474.3 (MANE Select); coding-DNA position 3496, C replaced by G.
Protein change: p.Gln1166Glu; replaces glutamine 1166 with glutamic acid.
Molecular consequence: missense variant.
Genome position (GRCh38, 1-based): chr16:15,735,376, G>C on the plus strand (C>G on the coding strand, the complement: MYH11 is on the minus strand). VCF-style: chr16-15735376-G-C. GRCh37 (hg19) VCF-style: chr16-15829233-G-C.
Other names: c.3517C>G, p.Gln1173Glu (NM_001040113.2, NM_001040114.2); c.3496C>G, p.Gln1166Glu (NM_022844.3); short protein forms Q1173E, Q1166E.
Identifiers: ClinVar variation 4759532 (VCV004759532.1).
Genomic context (GRCh38, chr16:15,735,376, plus strand): 5'-CCCATTGGTGCAGTGGGATAGCAGGATGGTGGGATTGATGGGCCCCTCACCTGAGCTCCT[G>C]CTGAGTGGCTGTGCTGTCCAGTGTGTCTTCCAGCTCTGTCTTTAGGGCCTCCAGCTCCTC-3'
Protein context (NP_002465.1, residues 1156-1176): EDTLDSTATQ[Gln1166Glu]ELRAKREQEV